The following is an entry in ClinVar:

NM_177402.5(SYT2):c.1156C>T (p.Arg386Trp)

Gene: SYT2 (synaptotagmin 2; minus strand). Cytogenetic location: 1q32.1.
Variant type: single nucleotide variant.
Coding change: c.1156C>T on transcript NM_177402.5 (MANE Select); coding-DNA position 1156, C replaced by T.
Protein change: p.Arg386Trp; replaces arginine 386 with tryptophan.
Molecular consequence: missense variant.
Genome position (GRCh38, 1-based): chr1:202,596,861, G>A on the plus strand (C>T on the coding strand, the complement: SYT2 is on the minus strand). VCF-style: chr1-202596861-G-A. GRCh37 (hg19) VCF-style: chr1-202565989-G-A.
Other names: c.1156C>T, p.Arg386Trp (NM_001136504.1); short protein forms R386W.
Identifiers: ClinVar variation 4753372 (VCV004753372.1).
Genomic context (GRCh38, chr1:202,596,861, plus strand): 5'-TGAGCGAGTGCCACTGGGCGATGGGCCTCCGGGGGTTGGCCAGCATGTCGGACCAGTGCC[G>A]CAGCTCTGTGCCCGTGGCATTGCTGCCCACGAAGATCTTGCCTATGGCTTCGTTCTTGCC-3'
Protein context (NP_796376.2, residues 376-396): VGSNATGTEL[Arg386Trp]HWSDMLANPR

ClinVar aggregate classification (germline): Uncertain significance (1 of 4 stars; one submission).

gnomAD v4.1: 10 of 1,614,200 alleles (0.00062%); highest among the groups gnomAD compares: African/African-American, 0.0013%; no homozygotes.

Submission:

Labcorp Genetics (formerly Invitae), Labcorp
Classification: Uncertain significance. Last evaluated: 2025-05-01. Review status: criteria provided, single submitter. Criteria: Invitae Variant Classification Sherloc (09022015). Collection method: clinical testing. Allele origin: germline.
Comment: This sequence change replaces arginine, which is basic and polar, with tryptophan, which is neutral and slightly polar, at codon 386 of the SYT2 protein (p.Arg386Trp). This variant is not present in population databases (gnomAD no frequency). This variant has not been reported in the literature in individuals affected with SYT2-related conditions. Invitae Evidence Modeling of protein sequence and biophysical properties (such as structural, functional, and spatial information, amino acid conservation, physicochemical variation, residue mobility, and thermodynamic stability) indicates that this missense variant is expected to disrupt SYT2 protein function with a positive predictive value of 80%. In summary, the available evidence is currently insufficient to determine the role of this variant in disease. Therefore, it has been classified as a Variant of Uncertain Significance.